The following is an entry in ClinVar:

NM_007118.4(TRIO):c.5350C>T (p.Leu1784Phe)

Gene: TRIO (trio Rho guanine nucleotide exchange factor; plus strand). Cytogenetic location: 5p15.2.
Variant type: single nucleotide variant.
Coding change: c.5350C>T on transcript NM_007118.4 (MANE Select); coding-DNA position 5350, C replaced by T.
Protein change: p.Leu1784Phe; replaces leucine 1784 with phenylalanine.
Molecular consequence: missense variant. On other transcripts: non-coding transcript variant (1).
Genome position (GRCh38, 1-based): chr5:14,461,165, C>T. VCF-style: chr5-14461165-C-T. GRCh37 (hg19) VCF-style: chr5-14461274-C-T.
Other names: short protein forms L1784F.
Identifiers: ClinVar variation 4085507 (VCV004085507.8).

ClinVar aggregate classification (germline): Uncertain significance (1 of 4 stars; one submission).

gnomAD v4.1: 2 of 1,557,800 alleles (0.00013%); highest among the groups gnomAD compares: Non-Finnish European, 0.000087%; no homozygotes.

Submission:

CeGaT Center for Human Genetics Tuebingen
Classification: Uncertain significance. Last evaluated: 2025-07-01. Review status: criteria provided, single submitter. Criteria: CeGaT Center For Human Genetics Tuebingen Variant Classification Criteria Version 2. Collection method: clinical testing. Allele origin: germline. Affected: yes. Observed: 1 variant allele.
Comment: TRIO: PP3